The following is an entry in ClinVar:

ClinVar aggregate classification (germline): Pathogenic/Likely pathogenic. Review status: criteria provided, multiple submitters, no conflicts (2 of 4 stars). 4 submissions from 4 submitters: Pathogenic (2); Likely pathogenic (2). Last evaluated 2024-11-13.

Conditions:
Parkinsonian-pyramidal syndrome. Also called: PARKINSON DISEASE 15, AUTOSOMAL RECESSIVE; PALLIDOPYRAMIDAL SYNDROME; PARKINSON DISEASE 15, AUTOSOMAL RECESSIVE EARLY-ONSET. Identifiers: Orphanet 171695, MedGen C1850100, MONDO:0009830, OMIM 260300.

Allele frequency attached by ClinVar (database versions not stated): gnomAD exomes 0.00004 and 0.00003; ESP Exome Variant Server 0.00008; gnomAD 0.00002 and 0.00001; TOPMed 0.00002; ExAC 0.00004.
gnomAD v4.1: 53 of 1,595,452 alleles (0.0033%); highest among the groups gnomAD compares: South Asian, 0.0044%; no homozygotes.

Submissions (4):

Labcorp Genetics (formerly Invitae), Labcorp
Classification: Pathogenic for Parkinsonian-pyramidal syndrome. Last evaluated: 2024-11-13. Review status: criteria provided, single submitter. Criteria: Invitae Variant Classification Sherloc (09022015). Collection method: clinical testing. Allele origin: germline.
Comment: This sequence change creates a premature translational stop signal (p.Arg321*) in the FBXO7 gene. It is expected to result in an absent or disrupted protein product. Loss-of-function variants in FBXO7 are known to be pathogenic (PMID: 21347293). This variant is present in population databases (rs369105683, gnomAD 0.006%). This variant has not been reported in the literature in individuals affected with FBXO7-related conditions. ClinVar contains an entry for this variant (Variation ID: 1678355). For these reasons, this variant has been classified as Pathogenic.

Fulgent Genetics
Classification: Likely pathogenic for Parkinsonian-pyramidal syndrome. Last evaluated: 2024-06-18. Review status: criteria provided, single submitter. Criteria: ACMG Guidelines, 2015. Collection method: clinical testing. Allele origin: germline.

Dasa
Classification: Pathogenic. Last evaluated: 2024-05-13. Review status: criteria provided, single submitter. Criteria: DASA Assertion Criteria. Collection method: clinical testing. Allele origin: germline.
Comment: NM_012179.4(FBXO7):c.961C>T (p.Arg321*) introduces a premature termination codon predicted to result in loss of normal protein function. Loss-of-function is an established mechanism of disease for this gene. The variant is present at low frequency in population datasets. Based on the available data, this variant is classified as pathogenic.

AiLife Diagnostics
Classification: Likely pathogenic. Last evaluated: 2021-02-06. Review status: criteria provided, single submitter. Criteria: ACMG Guidelines, 2015. Collection method: clinical testing. Allele origin: germline. Affected: yes. Observed: 1 variant allele.

Literature cited by the submitters: PubMed 21347293 (cited by Labcorp Genetics (formerly Invitae), Labcorp).

NM_012179.4(FBXO7):c.961C>T (p.Arg321Ter)

Gene: FBXO7 (F-box protein 7; plus strand). Cytogenetic location: 22q12.3.
Variant type: single nucleotide variant.
Coding change: c.961C>T on transcript NM_012179.4 (MANE Select); coding-DNA position 961, C replaced by T.
Protein change: p.Arg321Ter; replaces arginine 321 with a stop codon.
Molecular consequence: nonsense.
Genome position (GRCh38, 1-based): chr22:32,491,175, C>T. VCF-style: chr22-32491175-C-T. GRCh37 (hg19) VCF-style: chr22-32887162-C-T.
Other names: c.724C>T, p.Arg242Ter (NM_001033024.2); c.619C>T, p.Arg207Ter (NM_001257990.2); short protein forms R207*, R242*, R321*.
Identifiers: ClinVar variation 1678355 (VCV001678355.8), dbSNP rs369105683, ClinGen allele CA10201585.